The following is an entry in ClinVar:

NM_000281.4(PCBD1):c.37A>T (p.Arg13Trp)

Gene: PCBD1 (pterin-4 alpha-carbinolamine dehydratase 1; minus strand). Cytogenetic location: 10q22.1.
Variant type: single nucleotide variant.
Coding change: c.37A>T on transcript NM_000281.4 (MANE Select); coding-DNA position 37, A replaced by T.
Protein change: p.Arg13Trp; replaces arginine 13 with tryptophan.
Molecular consequence: missense variant. On other transcripts: 5 prime UTR variant (1).
Genome position (GRCh38, 1-based): chr10:70,885,896, T>A on the plus strand (A>T on the coding strand, the complement: PCBD1 is on the minus strand). VCF-style: chr10-70885896-T-A. GRCh37 (hg19) VCF-style: chr10-72645653-T-A.
Other names: c.-111A>T (NM_001289797.2); c.37A>T, p.Arg13Trp (NM_001323004.2); short protein forms R13W.
Identifiers: ClinVar variation 1971225 (VCV001971225.3), dbSNP rs1258914523, ClinGen allele CA377128767.

ClinVar aggregate classification (germline): Uncertain significance. Review status: criteria provided, multiple submitters, no conflicts (2 of 4 stars). 2 submissions from 2 submitters: Uncertain significance (2). Last evaluated 2022-11-10.

Conditions:
Inborn genetic diseases. Identifiers: MedGen C0950123, MeSH D030342.
Pterin-4 alpha-carbinolamine dehydratase 1 deficiency. Also called: CADH DEFICIENCY; Hyperphenylalaninemia due to dehydratase deficiency; HYPERPHENYLALANINEMIA WITH PRIMAPTERINURIA; HYPERPHENYLALANINEMIA, TETRAHYDROBIOPTERIN-DEFICIENT, DUE TO PTERIN-4-ALPHA-CARBINOLAMINE DEHYDRATASE DEFICIENCY. Identifiers: Orphanet 1578, Orphanet 238583, MedGen C1849700, MONDO:0009908, OMIM 264070.

Allele frequency attached by ClinVar (database versions not stated): gnomAD exomes 0.00001; TOPMed 0.00003; gnomAD 0.00005.
gnomAD v4.1: 11 of 1,613,788 alleles (0.00068%); highest among the groups gnomAD compares: Admixed American, 0.018%; no homozygotes.

Submissions (2):

Ambry Genetics
Classification: Uncertain significance for Inborn genetic diseases. Last evaluated: 2022-11-10. Review status: criteria provided, single submitter. Criteria: Ambry Variant Classification Scheme 2023. Collection method: clinical testing. Allele origin: germline.

Labcorp Genetics (formerly Invitae), Labcorp
Classification: Uncertain significance for Pterin-4 alpha-carbinolamine dehydratase 1 deficiency. Last evaluated: 2022-06-22. Review status: criteria provided, single submitter. Criteria: Invitae Variant Classification Sherloc (09022015). Collection method: clinical testing. Allele origin: germline.
Comment: This sequence change replaces arginine, which is basic and polar, with tryptophan, which is neutral and slightly polar, at codon 13 of the PCBD1 protein (p.Arg13Trp). This variant is present in population databases (no rsID available, gnomAD 0.006%). This variant has not been reported in the literature in individuals affected with PCBD1-related conditions. Algorithms developed to predict the effect of missense changes on protein structure and function (SIFT, PolyPhen-2, Align-GVGD) all suggest that this variant is likely to be disruptive. In summary, the available evidence is currently insufficient to determine the role of this variant in disease. Therefore, it has been classified as a Variant of Uncertain Significance.